The following is an entry in ClinVar:

ClinVar aggregate classification (germline): Pathogenic (1 of 4 stars; one submission).

Conditions:
Peroxisome biogenesis disorder 9B. Also called: PEX7-Related Refsum Disease; PEROXISOME BIOGENESIS DISORDER, PEX7-RELATED, ATYPICAL; Refsum disease, adult, 2. Identifiers: Orphanet 773, MedGen C2749346, MONDO:0013945, OMIM 614879.

Submission:

Labcorp Genetics (formerly Invitae), Labcorp
Classification: Pathogenic for Peroxisome biogenesis disorder 9B. Last evaluated: 2023-10-04. Review status: criteria provided, single submitter. Criteria: Invitae Variant Classification Sherloc (09022015). Collection method: clinical testing. Allele origin: unknown.
Comment: This variant is a gross deletion of the genomic region encompassing exon(s) 9 of the PEX7 gene. While this deletion is not anticipated to lead to nonsense mediated decay, it is expected to disrupt the C-terminus of the protein. This variant has not been reported in the literature in individuals affected with PEX7-related conditions. This variant disrupts a region of the PEX7 protein in which other variant(s) (p.Leu292*) have been determined to be pathogenic (PMID: 9090381, 9090382, 10083738, 11756410, 23572185). This suggests that this is a clinically significant region of the protein, and that variants that disrupt it are likely to be disease-causing. For these reasons, this variant has been classified as Pathogenic.

Literature cited by the submitters: PubMed 9090381; PubMed 9090382; PubMed 10083738; PubMed 11756410; PubMed 23572185.

NC_000006.11:g.(?_137219260)_(137219399_?)del

Gene: PEX7 (peroxisomal biogenesis factor 7; plus strand). Cytogenetic location: 6q23.3.
Variant type: Deletion.
Identifiers: ClinVar variation 3246074 (VCV003246074.1).